The following is an entry in ClinVar:

NM_144631.6(ZNF513):c.1333C>T (p.Arg445Trp)

Genes: ZNF513 (zinc finger protein 513; minus strand), LOC129933376 (ATAC-STARR-seq lymphoblastoid active region 15506; plus strand). Cytogenetic location: 2p23.3.
Variant type: single nucleotide variant.
Coding change: c.1333C>T on transcript NM_144631.6 (MANE Select); coding-DNA position 1333, C replaced by T.
Protein change: p.Arg445Trp; replaces arginine 445 with tryptophan.
Molecular consequence: missense variant.
Genome position (GRCh38, 1-based): chr2:27,377,838, G>A on the plus strand (C>T on the coding strand, the complement: ZNF513 is on the minus strand). VCF-style: chr2-27377838-G-A. GRCh37 (hg19) VCF-style: chr2-27600705-G-A.
Other names: c.1147C>T, p.Arg383Trp (NM_001201459.2); short protein forms R445W, R383W.
Identifiers: ClinVar variation 1908740 (VCV001908740.5), dbSNP rs761846712, ClinGen allele CA1577824.

ClinVar aggregate classification (germline): Uncertain significance (1 of 4 stars; one submission).

Allele frequency attached by ClinVar (database versions not stated): TOPMed below 0.00001; gnomAD exomes 0.00001; ExAC 0.00002.

Submission:

Labcorp Genetics (formerly Invitae), Labcorp
Classification: Uncertain significance. Last evaluated: 2022-03-11. Review status: criteria provided, single submitter. Criteria: Invitae Variant Classification Sherloc (09022015). Collection method: clinical testing. Allele origin: germline.
Comment: In summary, the available evidence is currently insufficient to determine the role of this variant in disease. Therefore, it has been classified as a Variant of Uncertain Significance. Algorithms developed to predict the effect of missense changes on protein structure and function are either unavailable or do not agree on the potential impact of this missense change (SIFT: "Tolerated"; PolyPhen-2: "Possibly Damaging"; Align-GVGD: "Class C0"). This variant has not been reported in the literature in individuals affected with ZNF513-related conditions. This variant is present in population databases (rs761846712, gnomAD 0.009%). This sequence change replaces arginine, which is basic and polar, with tryptophan, which is neutral and slightly polar, at codon 445 of the ZNF513 protein (p.Arg445Trp).